The following is an entry in ClinVar:

NM_014855.3(AP5Z1):c.1492A>G (p.Thr498Ala)

Gene: AP5Z1 (adaptor related protein complex 5 subunit zeta 1; plus strand). Cytogenetic location: 7p22.1.
Variant type: single nucleotide variant.
Coding change: c.1492A>G on transcript NM_014855.3 (MANE Select); coding-DNA position 1492, A replaced by G.
Protein change: p.Thr498Ala; replaces threonine 498 with alanine.
Molecular consequence: missense variant. On other transcripts: non-coding transcript variant (1).
Genome position (GRCh38, 1-based): chr7:4,788,191, A>G. VCF-style: chr7-4788191-A-G. GRCh37 (hg19) VCF-style: chr7-4827822-A-G.
Other names: c.1024A>G, p.Thr342Ala (NM_001364858.1); short protein forms T342A, T498A.
Identifiers: ClinVar variation 1312282 (VCV001312282.2), dbSNP rs1357485423, ClinGen allele CA366663184.
Genomic context (GRCh38, chr7:4,788,191, plus strand): 5'-GCCTTGGGCGTCTGTCCACGCAGGTCAGCACCGGCTGCATCCGAGAGGCCACTCTGGGAC[A>G]CCTCTCTCAGGGCCCCCAGCTGCCTGGAGGCCTTCCGGGACCCGCAGTTCCAGGGTCTTT-3'
Protein context (NP_055670.1, residues 488-508): PAASERPLWD[Thr498Ala]SLRAPSCLEA

ClinVar aggregate classification (germline): Uncertain significance (1 of 4 stars; one submission).

Allele frequency attached by ClinVar (database versions not stated): gnomAD exomes below 0.00001; gnomAD 0.00001.
gnomAD v4.1: 2 of 1,559,420 alleles (0.00013%); highest among the groups gnomAD compares: Non-Finnish European, 0.00017%; no homozygotes.

Submission:

GeneDx
Classification: Uncertain significance. Last evaluated: 2019-09-25. Review status: criteria provided, single submitter. Criteria: GeneDx Variant Classification Process June 2021. Collection method: clinical testing. Allele origin: germline. Affected: yes.
Comment: Not observed at a significant frequency in large population cohorts (Lek et al., 2016); In silico analysis, which includes protein predictors and evolutionary conservation, supports that this variant does not alter protein structure/function; Has not been previously published as pathogenic or benign to our knowledge